The following is an entry in ClinVar:

NM_004360.5(CDH1):c.634G>C (p.Gly212Arg)

Gene: CDH1 (cadherin 1; plus strand). Cytogenetic location: 16q22.1.
Variant type: single nucleotide variant.
Coding change: c.634G>C on transcript NM_004360.5 (MANE Select); coding-DNA position 634, G replaced by C.
Protein change: p.Gly212Arg; replaces glycine 212 with arginine.
Molecular consequence: missense variant. On other transcripts: 5 prime UTR variant (2).
Genome position (GRCh38, 1-based): chr16:68,808,795, G>C. VCF-style: chr16-68808795-G-C. GRCh37 (hg19) VCF-style: chr16-68842698-G-C.
Other names: c.634G>C, p.Gly212Arg (NM_001317184.2); c.-982G>C (NM_001317185.2); c.-1186G>C (NM_001317186.2); c.634G>C (NM_004360.3); short protein forms G212R.
Identifiers: ClinVar variation 1058904 (VCV001058904.11), dbSNP rs1064796210, ClinGen allele CA396458053.

ClinVar aggregate classification (germline): Uncertain significance. Review status: criteria provided, multiple submitters, no conflicts (2 of 4 stars). 2 submissions from 2 submitters: Uncertain significance (2). Last evaluated 2023-08-08.

Conditions:
Hereditary diffuse gastric adenocarcinoma (HDGC). Also called: DIFFUSE GASTRIC AND LOBULAR BREAST CANCER SYNDROME. Identifiers: Orphanet 26106, MedGen C1708349, MONDO:0007648, OMIM 137215.
Hereditary cancer-predisposing syndrome. Also called: Tumor predisposition; Neoplastic Syndromes, Hereditary; Hereditary Cancer Syndrome; Hereditary neoplastic syndrome. Identifiers: Orphanet 140162, MedGen C0027672, MeSH D009386, MONDO:0015356.

Submissions (2):

Ambry Genetics
Classification: Uncertain significance for Hereditary cancer-predisposing syndrome. Last evaluated: 2023-08-08. Review status: criteria provided, single submitter. Criteria: Ambry Variant Classification Scheme 2023. Collection method: clinical testing. Allele origin: germline.
Comment: The p.G212R variant (also known as c.634G>C), located in coding exon 5 of the CDH1 gene, results from a G to C substitution at nucleotide position 634. The glycine at codon 212 is replaced by arginine, an amino acid with dissimilar properties. This amino acid position is highly conserved in available vertebrate species. In addition, this alteration is predicted to be deleterious by in silico analysis. Since supporting evidence is limited at this time, the clinical significance of this alteration remains unclear.

Labcorp Genetics (formerly Invitae), Labcorp
Classification: Uncertain significance for Hereditary diffuse gastric adenocarcinoma. Last evaluated: 2020-04-05. Review status: criteria provided, single submitter. Criteria: Invitae Variant Classification Sherloc (09022015). Collection method: clinical testing. Allele origin: germline.
Comment: In summary, the available evidence is currently insufficient to determine the role of this variant in disease. Therefore, it has been classified as a Variant of Uncertain Significance. Algorithms developed to predict the effect of missense changes on protein structure and function (SIFT, PolyPhen-2, Align-GVGD) all suggest that this variant is likely to be disruptive, but these predictions have not been confirmed by published functional studies and their clinical significance is uncertain. This variant has not been reported in the literature in individuals with CDH1-related conditions. This variant is not present in population databases (ExAC no frequency). This sequence change replaces glycine with arginine at codon 212 of the CDH1 protein (p.Gly212Arg). The glycine residue is highly conserved and there is a moderate physicochemical difference between glycine and arginine.